The following is an entry in ClinVar:

NM_001376.5(DYNC1H1):c.10811A>G (p.Tyr3604Cys)

Gene: DYNC1H1 (dynein cytoplasmic 1 heavy chain 1; plus strand). Cytogenetic location: 14q32.31.
Variant type: single nucleotide variant.
Coding change: c.10811A>G on transcript NM_001376.5 (MANE Select); coding-DNA position 10811, A replaced by G.
Protein change: p.Tyr3604Cys; replaces tyrosine 3604 with cysteine.
Molecular consequence: missense variant.
Genome position (GRCh38, 1-based): chr14:102,036,545, A>G. VCF-style: chr14-102036545-A-G. GRCh37 (hg19) VCF-style: chr14-102502882-A-G.
Other names: short protein forms Y3604C.
Identifiers: ClinVar variation 4752422 (VCV004752422.1).

ClinVar aggregate classification (germline): Uncertain significance (1 of 4 stars; one submission).

Conditions:
Charcot-Marie-Tooth disease axonal type 2O. Also called: CHARCOT-MARIE-TOOTH NEUROPATHY, AXONAL, TYPE 2O; CHARCOT-MARIE-TOOTH DISEASE, AXONAL, AUTOSOMAL DOMINANT, TYPE 2O; Charcot-Marie-Tooth Neuropathy Type 2O; Charcot-Marie-Tooth disease, axonal, type 20. Identifiers: Orphanet 284232, MedGen C3280220, MONDO:0013644, OMIM 614228.

gnomAD v4.1: 2 of 1,614,160 alleles (0.00012%); highest among the groups gnomAD compares: Non-Finnish European, 0.00017%; no homozygotes.

Submission:

Labcorp Genetics (formerly Invitae), Labcorp
Classification: Uncertain significance for Charcot-Marie-Tooth disease axonal type 2O. Last evaluated: 2025-05-07. Review status: criteria provided, single submitter. Criteria: Invitae Variant Classification Sherloc (09022015). Collection method: clinical testing. Allele origin: germline.
Comment: This sequence change replaces tyrosine, which is neutral and polar, with cysteine, which is neutral and slightly polar, at codon 3604 of the DYNC1H1 protein (p.Tyr3604Cys). This variant is not present in population databases (gnomAD no frequency). This variant has not been reported in the literature in individuals affected with DYNC1H1-related conditions. Invitae Evidence Modeling of protein sequence and biophysical properties (such as structural, functional, and spatial information, amino acid conservation, physicochemical variation, residue mobility, and thermodynamic stability) has been performed for this missense variant. However, the output from this modeling did not meet the statistical confidence thresholds required to predict the impact of this variant on DYNC1H1 protein function. In summary, the available evidence is currently insufficient to determine the role of this variant in disease. Therefore, it has been classified as a Variant of Uncertain Significance.